The following is an entry in ClinVar:

ClinVar aggregate classification (germline): Benign (0 of 4 stars; one submission).

Conditions:
GRWD1-related disorder. Also called: GRWD1-related condition.

Allele frequency attached by ClinVar (database versions not stated): gnomAD exomes 0.00038; ExAC 0.00138; 1000 Genomes Project 0.00379; 1000 Genomes Project 30x 0.00406; gnomAD 0.00445; ESP Exome Variant Server 0.00538.
gnomAD v4.1: 1,248 of 1,591,400 alleles (0.078%); highest among the groups gnomAD compares: African/African-American, 1.5%; 13 homozygotes.

Submission:

PreventionGenetics, part of Exact Sciences
Classification: Benign for GRWD1-related condition. Last evaluated: 2019-06-03. Review status: no assertion criteria provided. Collection method: clinical testing. Allele origin: germline.
Comment: This variant is classified as benign based on ACMG/AMP sequence variant interpretation guidelines (Richards et al. 2015 PMID: 25741868, with internal and published modifications).

NM_031485.4(GRWD1):c.1057G>A (p.Val353Met)

Gene: GRWD1 (glutamate rich WD repeat containing 1; plus strand). Cytogenetic location: 19q13.33.
Variant type: single nucleotide variant.
Coding change: c.1057G>A on transcript NM_031485.4 (MANE Select); coding-DNA position 1057, G replaced by A.
Protein change: p.Val353Met; replaces valine 353 with methionine.
Molecular consequence: missense variant.
Genome position (GRCh38, 1-based): chr19:48,452,741, G>A. VCF-style: chr19-48452741-G-A. GRCh37 (hg19) VCF-style: chr19-48955998-G-A.
Other names: short protein forms V353M.
Identifiers: ClinVar variation 3043768 (VCV003043768.2), dbSNP rs144509270, ClinGen allele CA9551243.